The following is an entry in ClinVar:

ClinVar aggregate classification (germline): Uncertain significance. Review status: criteria provided, multiple submitters, no conflicts (2 of 4 stars). 2 submissions from 2 submitters: Uncertain significance (2). Last evaluated 2026-07-30.

Conditions:
Hereditary cancer-predisposing syndrome. Also called: Hereditary neoplastic syndrome; Neoplastic Syndromes, Hereditary; Tumor predisposition; Hereditary Cancer Syndrome. Identifiers: Orphanet 140162, MedGen C0027672, MeSH D009386, MONDO:0015356.

Submissions (2):

Ambry Genetics
Classification: Uncertain significance for Hereditary cancer-predisposing syndrome. Last evaluated: 2026-07-30. Review status: criteria provided, single submitter. Criteria: Ambry Variant Classification Scheme 2023. Collection method: clinical testing. Allele origin: germline.
Comment: The c.290delT variant, located in coding exon 1 of the HOXB13 gene, results from a deletion of one nucleotide at nucleotide position 290, causing a translational frameshift with a predicted alternate stop codon (p.L97Rfs*182). This variant occurs at the 3' terminus of the gene and is not expected to trigger nonsense-mediated mRNA decay. Based on the available evidence, the clinical significance of this variant remains unclear.

Labcorp Genetics (formerly Invitae), Labcorp
Classification: Uncertain significance. Last evaluated: 2022-08-10. Review status: criteria provided, single submitter. Criteria: Invitae Variant Classification Sherloc (09022015). Collection method: clinical testing. Allele origin: germline.
Comment: In summary, the available evidence is currently insufficient to determine the role of this variant in disease. Therefore, it has been classified as a Variant of Uncertain Significance. This variant has not been reported in the literature in individuals affected with HOXB13-related conditions. This variant is not present in population databases (gnomAD no frequency). This sequence change creates a premature translational stop signal (p.Leu97Argfs*182) in the HOXB13 gene. While this is not anticipated to result in nonsense mediated decay, it is expected to disrupt the last 188 amino acid(s) of the HOXB13 protein.

NM_006361.6(HOXB13):c.290del (p.Leu97fs)

Gene: HOXB13 (homeobox B13; minus strand). Cytogenetic location: 17q21.32.
Variant type: Deletion.
Coding change: c.290del on transcript NM_006361.6 (MANE Select); coding-DNA position 290, one base deleted (T; older notation c.290delT).
Protein change: p.Leu97fs; shifts the reading frame from leucine 97.
Molecular consequence: frameshift variant.
Genome position (GRCh38, 1-based): chr17:48,728,304, A deleted on the plus strand (T on the coding strand, the reverse complement: HOXB13 is on the minus strand). VCF-style (leftmost placement, unchanged base first): chr17-48728303-CA-C. GRCh37 (hg19) VCF-style: chr17-46805665-CA-C.
Other names: short protein forms L97fs.
Identifiers: ClinVar variation 1913736 (VCV001913736.6), dbSNP rs2509515489, ClinGen allele CA2580094172.